The following is an entry in ClinVar:

NM_001009944.3(PKD1):c.5649G>A (p.Ala1883=)

Gene: PKD1 (polycystin 1, transient receptor potential channel interacting; minus strand). Cytogenetic location: 16p13.3.
Variant type: single nucleotide variant.
Coding change: c.5649G>A on transcript NM_001009944.3 (MANE Select); coding-DNA position 5649, G replaced by A.
Protein change: p.Ala1883=; no amino-acid change (alanine 1883 retained).
Molecular consequence: synonymous variant.
Genome position (GRCh38, 1-based): chr16:2,109,518, C>T on the plus strand (G>A on the coding strand, the complement: PKD1 is on the minus strand). VCF-style: chr16-2109518-C-T. GRCh37 (hg19) VCF-style: chr16-2159519-C-T.
Other names: c.5649G>A, p.Ala1883= (NM_000296.4).
Identifiers: ClinVar variation 4978920 (VCV004978920.1).

ClinVar aggregate classification (germline): Likely benign (1 of 4 stars; one submission).

Conditions:
PKD1-related disorder. Also called: PKD1-related condition.

gnomAD v4.1: 127 of 1,610,218 alleles (0.0079%); highest among the groups gnomAD compares: Non-Finnish European, 0.011%; no homozygotes.

Submission:

PreventionGenetics, part of Exact Sciences
Classification: Likely benign for PKD1-related condition. Last evaluated: 2024-12-18. Review status: criteria provided, single submitter. Criteria: ACMG Guidelines, 2015. Collection method: clinical testing. Allele origin: germline.
Comment: This variant is classified as likely benign based on ACMG/AMP sequence variant interpretation guidelines (Richards et al. 2015 PMID: 25741868, with internal and published modifications).